The following is an entry in ClinVar:

NM_000543.5(SMPD1):c.604C>A (p.Arg202Ser)

Gene: SMPD1 (sphingomyelin phosphodiesterase 1; plus strand). Cytogenetic location: 11p15.4.
Variant type: single nucleotide variant.
Coding change: c.604C>A on transcript NM_000543.5 (MANE Select); coding-DNA position 604, C replaced by A.
Protein change: p.Arg202Ser; replaces arginine 202 with serine.
Molecular consequence: missense variant. On other transcripts: 5 prime UTR variant (1), non-coding transcript variant (1).
Genome position (GRCh38, 1-based): chr11:6,391,669, C>A. VCF-style: chr11-6391669-C-A. GRCh37 (hg19) VCF-style: chr11-6412899-C-A.
Other names: c.601C>A, p.Arg201Ser (NM_001007593.3); c.604C>A, p.Arg202Ser (NM_001318087.2, NM_001365135.2); c.-358C>A (NM_001318088.2); short protein forms R201S, R202S.
Identifiers: ClinVar variation 3251845 (VCV003251845.1), dbSNP rs749595299.

ClinVar aggregate classification (germline): Uncertain significance (1 of 4 stars; one submission).

Submission:

Women's Health and Genetics/Laboratory Corporation of America, LabCorp
Classification: Uncertain significance. Last evaluated: 2024-04-19. Review status: criteria provided, single submitter. Criteria: LabCorp Variant Classification Summary - May 2015. Collection method: clinical testing. Allele origin: germline.
Comment: Variant summary: SMPD1 c.604C>A (p.Arg202Ser) results in a non-conservative amino acid change located in the Calcineurin-like phosphoesterase domain, ApaH type (IPR004843) of the encoded protein sequence. Four of four in-silico tools predict a damaging effect of the variant on protein function. The variant was absent in 231086 control chromosomes (gnomAD). The available data on variant occurrences in the general population are insufficient to allow any conclusion about variant significance. To our knowledge, no occurrence of c.604C>A in individuals affected with Niemann-Pick Disease and no experimental evidence demonstrating its impact on protein function have been reported. No submitters have cited clinical-significance assessments for this variant to ClinVar. Based on the evidence outlined above, the variant was classified as uncertain significance.